The following is an entry in ClinVar:

ClinVar aggregate classification (germline): Uncertain significance. Review status: criteria provided, multiple submitters, no conflicts (2 of 4 stars). 4 submissions from 4 submitters: Uncertain significance (4). Last evaluated 2023-04-11.

Conditions:
Glycogen storage disease type III (GSD3). Also called: FORBES DISEASE; Cori disease. Identifiers: Orphanet 366, MedGen C0017922, MONDO:0009291, OMIM 232400.

gnomAD v4.1: 27 of 1,613,070 alleles (0.0017%); highest among the groups gnomAD compares: Non-Finnish European, 0.0021%; no homozygotes.

Submissions (4):

Genome-Nilou Lab
Classification: Uncertain significance for Glycogen storage disease type III. Last evaluated: 2023-04-11. Review status: criteria provided, single submitter. Criteria: ACMG Guidelines, 2015. Collection method: clinical testing. Allele origin: germline. Affected: no.

Labcorp Genetics (formerly Invitae), Labcorp
Classification: Uncertain significance for Glycogen storage disease type III. Last evaluated: 2022-08-04. Review status: criteria provided, single submitter. Criteria: Invitae Variant Classification Sherloc (09022015). Collection method: clinical testing. Allele origin: germline.
Comment: This sequence change replaces isoleucine, which is neutral and non-polar, with arginine, which is basic and polar, at codon 1226 of the AGL protein (p.Ile1226Arg). This variant is present in population databases (rs749118487, gnomAD 0.003%). This variant has not been reported in the literature in individuals affected with AGL-related conditions. ClinVar contains an entry for this variant (Variation ID: 1029581). Algorithms developed to predict the effect of missense changes on protein structure and function (SIFT, PolyPhen-2, Align-GVGD) all suggest that this variant is likely to be disruptive. In summary, the available evidence is currently insufficient to determine the role of this variant in disease. Therefore, it has been classified as a Variant of Uncertain Significance.

Baylor Genetics
Classification: Uncertain significance for Glycogen storage disease type III. Last evaluated: 2019-12-18. Review status: criteria provided, single submitter. Criteria: ACMG Guidelines, 2015. Collection method: clinical testing. Allele origin: unknown. Affected: yes.
Comment: This variant was determined to be of uncertain significance according to ACMG Guidelines, 2015 [PMID:25741868].

Breakthrough Genomics
Classification: Uncertain significance. Review status: criteria provided, single submitter. Criteria: ACMG Guidelines, 2015. Collection method: not provided. Allele origin: germline. Inheritance: Autosomal recessive inheritance. Affected: yes.

NM_000642.3(AGL):c.3677T>G (p.Ile1226Arg)

Gene: AGL (amylo-alpha-1,6-glucosidase and 4-alpha-glucanotransferase; plus strand). Cytogenetic location: 1p21.2.
Variant type: single nucleotide variant.
Coding change: c.3677T>G on transcript NM_000642.3 (MANE Select); coding-DNA position 3677, T replaced by G.
Protein change: p.Ile1226Arg; replaces isoleucine 1226 with arginine.
Molecular consequence: missense variant.
Genome position (GRCh38, 1-based): chr1:99,902,771, T>G. VCF-style: chr1-99902771-T-G. GRCh37 (hg19) VCF-style: chr1-100368327-T-G.
Other names: c.3677T>G, p.Ile1226Arg (NM_000643.3, NM_000644.3, NM_001425325.1 and 1 more transcripts); c.3629T>G, p.Ile1210Arg (NM_000646.3); c.3656T>G, p.Ile1219Arg (NM_001425326.1); c.3476T>G, p.Ile1159Arg (NM_001425327.1); c.3473T>G, p.Ile1158Arg (NM_001425328.1); c.3338T>G, p.Ile1113Arg (NM_001425329.1); c.3299T>G, p.Ile1100Arg (NM_001425332.1); short protein forms I1210R, I1226R, I1100R, I1113R, I1158R, I1159R, I1219R.
Identifiers: ClinVar variation 1029581 (VCV001029581.4), dbSNP rs749118487, ClinGen allele CA967171.
Genomic context (GRCh38, chr1:99,902,771, plus strand): 5'-AAGCAATGCAAAAACACATGCAGGGCATACAGTTCCGAGAAAGGAATGCTGGTCCCCAGA[T>G]AGATCGAAACATGAAGGACGAAGGTACAGAACTTTAACTAAAATAGTACAAATTTATCAA-3'
Protein context (NP_000633.2, residues 1216-1236): QFRERNAGPQ[Ile1226Arg]DRNMKDEGFN